The following is an entry in ClinVar:

NM_145020.5(CFAP53):c.1475C>T (p.Ser492Phe)

Gene: CFAP53 (cilia and flagella associated protein 53; minus strand). Cytogenetic location: 18q21.1.
Variant type: single nucleotide variant.
Coding change: c.1475C>T on transcript NM_145020.5 (MANE Select); coding-DNA position 1475, C replaced by T.
Protein change: p.Ser492Phe; replaces serine 492 with phenylalanine.
Molecular consequence: missense variant.
Genome position (GRCh38, 1-based): chr18:50,227,451, G>A on the plus strand (C>T on the coding strand, the complement: CFAP53 is on the minus strand). VCF-style: chr18-50227451-G-A. GRCh37 (hg19) VCF-style: chr18-47753821-G-A.
Other names: short protein forms S492F.
Identifiers: ClinVar variation 1043108 (VCV001043108.7), dbSNP rs371913662, ClinGen allele CA8962092.
Genomic context (GRCh38, chr18:50,227,451, plus strand): 5'-AGCTTACTGGGGCATGCCTTGCGCATGGGATGAATGTTTTGAGGCAGCACTTGATGGGTG[G>A]ACAGGACCTCCTGGACCTTGTCCAAACACATCTTGTTTGCTGCTACACCTGCTTCAAACT-3'
Protein context (NP_659457.2, residues 482-502): MCLDKVQEVL[Ser492Phe]THQVLPQNIH

ClinVar aggregate classification (germline): Uncertain significance (1 of 4 stars; one submission).

Conditions:
Heterotaxy, visceral, 6, autosomal (HTX6). Also called: Heterotaxy, visceral, 6, autosomal recessive. Identifiers: Orphanet 450, MedGen C3553676, MONDO:0013887, OMIM 614779.

Allele frequency attached by ClinVar (database versions not stated): gnomAD exomes below 0.00001 and 0.00001; ExAC 0.00003; gnomAD 0.00005 and 0.00007; TOPMed 0.00006; ESP Exome Variant Server 0.00008.
gnomAD v4.1: 15 of 1,614,050 alleles (0.00093%); highest among the groups gnomAD compares: African/African-American, 0.02%; no homozygotes.

Submission:

Labcorp Genetics (formerly Invitae), Labcorp
Classification: Uncertain significance for Heterotaxy, visceral, 6, autosomal. Last evaluated: 2020-06-15. Review status: criteria provided, single submitter. Criteria: Invitae Variant Classification Sherloc (09022015). Collection method: clinical testing. Allele origin: germline.
Comment: Algorithms developed to predict the effect of missense changes on protein structure and function are either unavailable or do not agree on the potential impact of this missense change (SIFT: "Not Available"; PolyPhen-2: "Benign"; Align-GVGD: "Not Available"). This variant has not been reported in the literature in individuals with CFAP53-related conditions. This variant is present in population databases (rs371913662, ExAC 0.04%). This sequence change replaces serine with phenylalanine at codon 492 of the CFAP53 protein (p.Ser492Phe). The serine residue is moderately conserved and there is a large physicochemical difference between serine and phenylalanine. In summary, the available evidence is currently insufficient to determine the role of this variant in disease. Therefore, it has been classified as a Variant of Uncertain Significance.